The following is an entry in ClinVar:

NM_005476.7(GNE):c.114C>G (p.Phe38Leu)

Gene: GNE (glucosamine (UDP-N-acetyl)-2-epimerase/N-acetylmannosamine kinase; minus strand). Cytogenetic location: 9p13.3.
Variant type: single nucleotide variant.
Coding change: c.114C>G on transcript NM_005476.7 (MANE Select); coding-DNA position 114, C replaced by G.
Protein change: p.Phe38Leu; replaces phenylalanine 38 with leucine.
Molecular consequence: missense variant. On other transcripts: intron variant (3).
Genome position (GRCh38, 1-based): chr9:36,249,242, G>C on the plus strand (C>G on the coding strand, the complement: GNE is on the minus strand). VCF-style: chr9-36249242-G-C. GRCh37 (hg19) VCF-style: chr9-36249239-G-C.
Other names: c.207C>G, p.Phe69Leu (NM_001128227.3); c.114C>G, p.Phe38Leu (NM_001190383.3, NM_001374797.1); c.-13-2760C>G (NM_001190388.2, NM_001190384.3, NM_001374798.1); short protein forms F69L, F38L.
Identifiers: ClinVar variation 1433756 (VCV001433756.8), dbSNP rs921673560, ClinGen allele CA192830682.

ClinVar aggregate classification (germline): Uncertain significance (1 of 4 stars; one submission).

Conditions:
GNE myopathy (NM). Also called: INCLUSION BODY MYOPATHY 2, AUTOSOMAL RECESSIVE; MYOPATHY, DISTAL, WITH OR WITHOUT RIMMED VACUOLES; INCLUSION BODY MYOPATHY, HEREDITARY, AUTOSOMAL RECESSIVE; NONAKA DISTAL MYOPATHY; IBM 2; Inclusion body myopathy autosomal recessive. Identifiers: Orphanet 602, MedGen C1853926, MONDO:0011603, OMIM 605820.
Sialuria. Also called: Sialic Acid Storage Disease; SIALURIA, FRENCH TYPE. Identifiers: Orphanet 3166, MedGen C0342853, MONDO:0010028, OMIM 269921.

Allele frequency attached by ClinVar (database versions not stated): gnomAD exomes 0.00001.

Submission:

Labcorp Genetics (formerly Invitae), Labcorp
Classification: Uncertain significance for Sialuria; GNE myopathy. Last evaluated: 2022-03-02. Review status: criteria provided, single submitter. Criteria: Invitae Variant Classification Sherloc (09022015). Collection method: clinical testing. Allele origin: germline.
Comment: In summary, the available evidence is currently insufficient to determine the role of this variant in disease. Therefore, it has been classified as a Variant of Uncertain Significance. Algorithms developed to predict the effect of missense changes on protein structure and function (SIFT, PolyPhen-2, Align-GVGD) all suggest that this variant is likely to be tolerated. This variant has not been reported in the literature in individuals affected with GNE-related conditions. This variant is not present in population databases (gnomAD no frequency). This sequence change replaces phenylalanine, which is neutral and non-polar, with leucine, which is neutral and non-polar, at codon 69 of the GNE protein (p.Phe69Leu).